The following is an entry in ClinVar:

ClinVar aggregate classification (germline): Uncertain significance. Review status: criteria provided, multiple submitters, no conflicts (2 of 4 stars). 2 submissions from 2 submitters: Uncertain significance (2). Last evaluated 2024-01-16.

Conditions:
POLD1-related polyposis and colorectal cancer syndrome (CRCS10). Also called: Colorectal cancer 10; COLORECTAL CANCER, SUSCEPTIBILITY TO, ON CHROMOSOME 19q; Colorectal cancer, susceptibility to, 10. Identifiers: Orphanet 220460, MedGen C2675481, MONDO:0012953, OMIM 612591.

Allele frequency attached by ClinVar (database versions not stated): gnomAD exomes below 0.00001.
gnomAD v4.1: 3 of 1,613,966 alleles (0.00019%); highest among the groups gnomAD compares: Non-Finnish European, 0.00025%; no homozygotes.

Submissions (2):

GeneDx
Classification: Uncertain significance. Last evaluated: 2024-01-16. Review status: criteria provided, single submitter. Criteria: GeneDx Variant Classification Process June 2021. Collection method: clinical testing. Allele origin: germline. Affected: yes.
Comment: Not observed at significant frequency in large population cohorts (gnomAD); In silico analysis supports that this missense variant has a deleterious effect on protein structure/function; Has not been previously published as pathogenic or benign to our knowledge

Labcorp Genetics (formerly Invitae), Labcorp
Classification: Uncertain significance for POLD1-related polyposis and colorectal cancer syndrome. Last evaluated: 2020-08-07. Review status: criteria provided, single submitter. Criteria: Invitae Variant Classification Sherloc (09022015). Collection method: clinical testing. Allele origin: germline.
Comment: This sequence change replaces aspartic acid with histidine at codon 175 of the POLD1 protein (p.Asp175His). The aspartic acid residue is moderately conserved and there is a moderate physicochemical difference between aspartic acid and histidine. This variant is not present in population databases (ExAC no frequency). In summary, the available evidence is currently insufficient to determine the role of this variant in disease. Therefore, it has been classified as a Variant of Uncertain Significance. Algorithms developed to predict the effect of missense changes on protein structure and function are either unavailable or do not agree on the potential impact of this missense change (SIFT: "Deleterious"; PolyPhen-2: "Probably Damaging"; Align-GVGD: "Class C0"). This variant has not been reported in the literature in individuals with POLD1-related conditions.

NM_002691.4(POLD1):c.523G>C (p.Asp175His)

Gene: POLD1 (DNA polymerase delta 1, catalytic subunit; plus strand). Cytogenetic location: 19q13.33.
Variant type: single nucleotide variant.
Coding change: c.523G>C on transcript NM_002691.4 (MANE Select); coding-DNA position 523, G replaced by C.
Protein change: p.Asp175His; replaces aspartic acid 175 with histidine.
Molecular consequence: missense variant. On other transcripts: non-coding transcript variant (1).
Genome position (GRCh38, 1-based): chr19:50,402,058, G>C. VCF-style: chr19-50402058-G-C. GRCh37 (hg19) VCF-style: chr19-50905315-G-C.
Other names: c.523G>C, p.Asp175His (NM_001256849.1, NM_001308632.1); c.523G>C (NM_002691.3); short protein forms D175H.
Identifiers: ClinVar variation 1046902 (VCV001046902.9), dbSNP rs1601199588, ClinGen allele CA406973157.